The following is an entry in ClinVar:

NM_001243925.2(MAPKAPK3):c.1079G>A (p.Arg360Gln)

Gene: MAPKAPK3 (MAPK activated protein kinase 3; plus strand). Cytogenetic location: 3p21.2.
Variant type: single nucleotide variant.
Coding change: c.1079G>A on transcript NM_001243925.2 (MANE Select); coding-DNA position 1079, G replaced by A.
Protein change: p.Arg360Gln; replaces arginine 360 with glutamine.
Molecular consequence: missense variant.
Genome position (GRCh38, 1-based): chr3:50,647,976, G>A. VCF-style: chr3-50647976-G-A. GRCh37 (hg19) VCF-style: chr3-50685407-G-A.
Other names: c.1079G>A, p.Arg360Gln (NM_001243926.2, NM_004635.5); short protein forms R360Q.
Identifiers: ClinVar variation 1397836 (VCV001397836.6), dbSNP rs368591672, ClinGen allele CA74629390.

ClinVar aggregate classification (germline): Uncertain significance (1 of 4 stars; one submission).

Allele frequency attached by ClinVar (database versions not stated): gnomAD 0.00001; gnomAD exomes 0.00001; TOPMed 0.00001.
gnomAD v4.1: 36 of 1,613,678 alleles (0.0022%); highest among the groups gnomAD compares: East Asian, 0.0045%; no homozygotes.

Submission:

Labcorp Genetics (formerly Invitae), Labcorp
Classification: Uncertain significance. Last evaluated: 2025-03-17. Review status: criteria provided, single submitter. Criteria: Invitae Variant Classification Sherloc (09022015). Collection method: clinical testing. Allele origin: germline.
Comment: This sequence change replaces arginine, which is basic and polar, with glutamine, which is neutral and polar, at codon 360 of the MAPKAPK3 protein (p.Arg360Gln). This variant is present in population databases (rs368591672, gnomAD 0.01%). This variant has not been reported in the literature in individuals affected with MAPKAPK3-related conditions. ClinVar contains an entry for this variant (Variation ID: 1397836). An algorithm developed to predict the effect of missense changes on protein structure and function (PolyPhen-2) suggests that this variant is likely to be tolerated. In summary, the available evidence is currently insufficient to determine the role of this variant in disease. Therefore, it has been classified as a Variant of Uncertain Significance.